The following is an entry in ClinVar:

ClinVar aggregate classification (germline): Uncertain significance (1 of 4 stars; one submission).

Conditions:
Hereditary cancer-predisposing syndrome. Also called: Neoplastic Syndromes, Hereditary; Tumor predisposition; Hereditary Cancer Syndrome; Hereditary neoplastic syndrome. Identifiers: Orphanet 140162, MedGen C0027672, MeSH D009386, MONDO:0015356.

Submission:

Ambry Genetics
Classification: Uncertain significance for Hereditary cancer-predisposing syndrome. Last evaluated: 2024-08-17. Review status: criteria provided, single submitter. Criteria: Ambry Variant Classification Scheme 2023. Collection method: clinical testing. Allele origin: germline.
Comment: The p.A821D variant (also known as c.2462C>A), located in coding exon 15 of the PMS2 gene, results from a C to A substitution at nucleotide position 2462. The alanine at codon 821 is replaced by aspartic acid, an amino acid with dissimilar properties. This amino acid position is conserved. In addition, this alteration is predicted to be deleterious by in silico analysis. Based on the available evidence, the clinical significance of this variant remains unclear.

NM_000535.7(PMS2):c.2462C>A (p.Ala821Asp)

Gene: PMS2 (PMS1 homolog 2, mismatch repair system component; minus strand). Cytogenetic location: 7p22.1.
Variant type: single nucleotide variant.
Coding change: c.2462C>A on transcript NM_000535.7 (MANE Select); coding-DNA position 2462, C replaced by A.
Protein change: p.Ala821Asp; replaces alanine 821 with aspartic acid.
Molecular consequence: missense variant. On other transcripts: non-coding transcript variant (1).
Genome position (GRCh38, 1-based): chr7:5,973,526, G>T on the plus strand (C>A on the coding strand, the complement: PMS2 is on the minus strand). VCF-style: chr7-5973526-G-T. GRCh37 (hg19) VCF-style: chr7-6013157-G-T.
Other names: c.2057C>A, p.Ala686Asp (NM_001322003.2, NM_001322004.2, NM_001322005.2 and 11 more transcripts); c.2306C>A, p.Ala769Asp (NM_001322006.2); c.2144C>A, p.Ala715Asp (NM_001322007.2, NM_001322008.2, NM_001406883.1); c.2090C>A, p.Ala697Asp (NM_001322009.2, NM_001406887.1, NM_001406888.1); c.1901C>A, p.Ala634Asp (NM_001322010.2, NM_001406906.1, NM_001406907.1); c.1529C>A, p.Ala510Asp (NM_001322011.2, NM_001322012.2); c.1889C>A, p.Ala630Asp (NM_001322013.2, NM_001406908.1, NM_001406909.1); c.2495C>A, p.Ala832Asp (NM_001322014.2); and 20 more; short protein forms A630D, A666D, A697D, A715D, A773D, A780D, A832D, A420D.
Identifiers: ClinVar variation 3421492 (VCV003421492.1).
Genomic context (GRCh38, chr7:5,973,526, plus strand): 5'-CAGGGGTGGTCCATCTCCCCCATGTGGGTGATCAGTTTCTTCATCTCGCTTGTGTTAAGA[G>T]CAGTCCCAATCATCACCTGAGTGTGAGACACAATGGTTCAACGTTTTAGTAGTTTTTTGA-3'
Protein context (NP_000526.2, residues 811-831): ACRKSVMIGT[Ala821Asp]LNTSEMKKLI